The following is an entry in ClinVar:

NM_002225.5(IVD):c.442A>T (p.Lys148Ter)

Gene: IVD (isovaleryl-CoA dehydrogenase; plus strand). Cytogenetic location: 15q15.1.
Variant type: single nucleotide variant.
Coding change: c.442A>T on transcript NM_002225.5 (MANE Select); coding-DNA position 442, A replaced by T.
Protein change: p.Lys148Ter; replaces lysine 148 with a stop codon.
Molecular consequence: nonsense. On other transcripts: non-coding transcript variant (1).
Genome position (GRCh38, 1-based): chr15:40,410,783, A>T. VCF-style: chr15-40410783-A-T. GRCh37 (hg19) VCF-style: chr15-40702982-A-T.
Other names: c.352A>T, p.Lys118Ter (NM_001159508.3); c.394A>T, p.Lys132Ter (NM_001354597.3); c.442A>T, p.Lys148Ter (NM_001354598.3, NM_001354601.3); c.529A>T, p.Lys177Ter (NM_001354599.3, NM_001354600.3); short protein forms K118*, K132*, K148*, K177*.
Identifiers: ClinVar variation 1724807 (VCV001724807.2), dbSNP rs1199952317, ClinGen allele CA391716778.

ClinVar aggregate classification (germline): Likely pathogenic (1 of 4 stars; one submission).

Conditions:
Isovaleryl-CoA dehydrogenase deficiency (IVA). Also called: ISOVALERIC ACID CoA DEHYDROGENASE DEFICIENCY; Classic Isovaleric Acidemia; Isovaleric acidemia; IVD DEFICIENCY. Identifiers: Orphanet 33, MedGen C0268575, MONDO:0009475, OMIM 243500.

Submission:

Myriad Genetics, Inc.
Classification: Likely pathogenic for Isovaleryl-CoA dehydrogenase deficiency. Last evaluated: 2022-02-28. Review status: criteria provided, single submitter. Criteria: Myriad Women's Health Autosomal Recessive and X-Linked Classification Criteria (2021). Collection method: clinical testing. Allele origin: unknown.
Comment: NM_002225.3(IVD):c.451A>T(K151*) is expected to be pathogenic in the context of isovaleric acidemia. This variant is predicted to lead to an abnormal or absent protein product due to the creation of a premature termination codon in IVD, a gene where loss-of-function variants are known to be pathogenic. Please note: this variant was assessed in the context of healthy population screening.